The following is an entry in ClinVar:

ClinVar aggregate classification (germline): Uncertain significance (1 of 4 stars; one submission).

Submission:

GeneDx
Classification: Uncertain significance. Last evaluated: 2026-05-26. Review status: criteria provided, single submitter. Criteria: GeneDx Variant Classification Process June 2021. Collection method: clinical testing. Allele origin: germline.
Comment: Identified in two families with molecular diagnoses of PHP1A or PPHP; however, specific clinical information and segregation information were not provided (PMID: 31886927); Not observed at significant frequency in large population cohorts (gnomAD); In silico analysis supports that this missense variant has a deleterious effect on protein structure/function; This variant is associated with the following publications: (PMID: 31886927)

NM_000516.7(GNAS):c.113G>C (p.Arg38Pro)

Gene: GNAS (GNAS complex locus; plus strand). Cytogenetic location: 20q13.32.
Variant type: single nucleotide variant.
Coding change: c.113G>C on transcript NM_000516.7 (MANE Select); coding-DNA position 113, G replaced by C.
Protein change: p.Arg38Pro; replaces arginine 38 with proline.
Molecular consequence: missense variant. On other transcripts: intron variant (8).
Genome position (GRCh38, 1-based): chr20:58,891,839, G>C. VCF-style: chr20-58891839-G-C. GRCh37 (hg19) VCF-style: chr20-57466894-G-C.
Other names: c.113G>C, p.Arg38Pro (NM_001077488.5, NM_001077489.4, NM_001309842.2 and 1 more transcripts); c.*43-3773G>C (NM_016592.5); c.44-3773G>C (NM_001410912.1); c.-38-3773G>C (NM_001309861.2); c.*1-3773G>C (NM_001077490.3); c.2069-3773G>C (NM_080425.4, NM_001410913.1); c.*159-3773G>C (NM_001309883.1); c.-39+2486G>C (NM_001309840.2); short protein forms R38P.
Identifiers: ClinVar variation 3343851 (VCV003343851.2).
Genomic context (GRCh38, chr20:58,891,839, plus strand): 5'-CGCAGCGTGAGGCCAACAAAAAGATCGAGAAGCAGCTGCAGAAGGACAAGCAGGTCTACC[G>C]GGCCACGCACCGCCTGCTGCTGCTGGGTAAGGGCGGGCGGGGGGCGCCGGCCCCGGCCCG-3'
Protein context (NP_000507.1, residues 28-48): KQLQKDKQVY[Arg38Pro]ATHRLLLLGA